The following is an entry in ClinVar:

ClinVar aggregate classification (germline): Pathogenic (1 of 4 stars; one submission).

Conditions:
Retinoblastoma (RB1). Also called: RETINOBLASTOMA, SOMATIC. Identifiers: Orphanet 790, MedGen C0035335, MeSH D012175, MONDO:0008380, OMIM 180200, HP:0009919. Disease mechanism: loss of function. Inheritance: Both sporadic and heritable forms are tested..

Submission:

Genetic Diagnostic Laboratory, University of Pennsylvania School of Medicine
Classification: Pathogenic for Retinoblastoma. Last evaluated: 2024-05-20. Review status: criteria provided, single submitter. Criteria: ACMG Guidelines, 2015. Collection method: clinical testing. Allele origin: germline. Affected: yes. Observed: 1 variant allele.
Comment: Case and Pedigree Information: BILATERAL CASES:1, UNILATERAL CASES:0, TOTAL CASES:1, PEDIGREES:1. ACMG Codes Applied:PVS1, PM2

NM_000321.3(RB1):c.957dup (p.Arg320fs)

Gene: RB1 (RB transcriptional corepressor 1; plus strand). Cytogenetic location: 13q14.2.
Variant type: Duplication.
Coding change: c.957dup on transcript NM_000321.3 (MANE Select); coding-DNA position 957, one base duplicated (A; older notation c.957dupA).
Protein change: p.Arg320fs; shifts the reading frame from arginine 320.
Molecular consequence: frameshift variant.
Genome position (GRCh38, 1-based): chr13:48,367,511, A duplicated; the last of 3 consecutive A bases (chr13:48,367,509-48,367,511); duplicating any one gives the same sequence. VCF-style (leftmost placement, unchanged base first): chr13-48367508-T-TA. GRCh37 (hg19) VCF-style: chr13-48941644-T-TA.
Other names: c.957dup, p.Arg320fs (NM_001407165.1, NM_001407166.1); short protein forms R320fs.
Identifiers: ClinVar variation 3236942 (VCV003236942.1), dbSNP rs2138121023.